The following is an entry in ClinVar:

NM_177438.3(DICER1):c.772G>C (p.Gly258Arg)

Gene: DICER1 (dicer 1, ribonuclease III; minus strand). Cytogenetic location: 14q32.13.
Variant type: single nucleotide variant.
Coding change: c.772G>C on transcript NM_177438.3 (MANE Select); coding-DNA position 772, G replaced by C.
Protein change: p.Gly258Arg; replaces glycine 258 with arginine.
Molecular consequence: missense variant.
Genome position (GRCh38, 1-based): chr14:95,126,711, C>G on the plus strand (G>C on the coding strand, the complement: DICER1 is on the minus strand). VCF-style: chr14-95126711-C-G. GRCh37 (hg19) VCF-style: chr14-95593048-C-G.
Other names: c.772G>C, p.Gly258Arg (NM_001195573.1, NM_001271282.3, NM_001291628.2 and 1 more transcripts); short protein forms G258R.
Identifiers: ClinVar variation 855299 (VCV000855299.11), dbSNP rs1893492582, ClinGen allele CA390887839.

ClinVar aggregate classification (germline): Uncertain significance (1 of 4 stars; one submission).

Conditions:
DICER1-related tumor predisposition. Also called: DICER1 syndrome; DICER1-related pleuropulmonary blastoma cancer predisposition syndrome. Identifiers: Orphanet 284343, MedGen C3839822, MONDO:0100216.

Submission:

Labcorp Genetics (formerly Invitae), Labcorp
Classification: Uncertain significance for DICER1-related tumor predisposition. Last evaluated: 2019-03-07. Review status: criteria provided, single submitter. Criteria: Invitae Variant Classification Sherloc (09022015). Collection method: clinical testing. Allele origin: germline.
Comment: In summary, the available evidence is currently insufficient to determine the role of this variant in disease. Therefore, it has been classified as a Variant of Uncertain Significance. Algorithms developed to predict the effect of missense changes on protein structure and function are either unavailable or do not agree on the potential impact of this missense change (SIFT: "Deleterious"; PolyPhen-2: "Possibly Damaging"; Align-GVGD: "Class C0"). This variant has not been reported in the literature in individuals with DICER1-related conditions. This variant is not present in population databases (ExAC no frequency). This sequence change replaces glycine with arginine at codon 258 of the DICER1 protein (p.Gly258Arg). The glycine residue is highly conserved and there is a moderate physicochemical difference between glycine and arginine.